The following is an entry in ClinVar:

ClinVar aggregate classification (germline): Conflicting classifications of pathogenicity. Review status: criteria provided, conflicting classifications (1 of 4 stars). 2 submissions from 2 submitters: Uncertain significance (1); Likely benign (1). Last evaluated 2022-04-25.

Conditions:
Geleophysic dysplasia 2 (GPHYSD2). Identifiers: Orphanet 2623, MedGen C3280054, MONDO:0013612, OMIM 614185.
Progeroid and marfanoid aspect-lipodystrophy syndrome. Also called: MARFAN-PROGEROID-LIPODYSTROPHY SYNDROME; Marfan lipodystrophy syndrome; MARFANOID-PROGEROID SYNDROME; MARFANOID-PROGEROID-LIPODYSTROPHY SYNDROME. Identifiers: Orphanet 300382, MedGen C4310796, MONDO:0014831, OMIM 616914.
MASS syndrome (OCTD). Also called: MASS PHENOTYPE; OVERLAP CONNECTIVE TISSUE DISEASE. Identifiers: MedGen C1858556, MONDO:0011431, OMIM 604308.
Marfan syndrome (MFS). Also called: Marfan syndrome, classic; MARFAN SYNDROME, TYPE I; Marfan syndrome type 1; Marfan's syndrome; FBN1-Related Marfan Syndrome. Identifiers: Orphanet 284963, Orphanet 558, MedGen C0024796, MONDO:0007947, OMIM 154700.
Ectopia lentis 1, isolated, autosomal dominant (ECTOL1). Identifiers: Orphanet 1885, MedGen C3541518, MONDO:0007514, OMIM 129600.
Stiff skin syndrome (SSKS). Identifiers: Orphanet 2833, MedGen C1861456, MONDO:0008492, OMIM 184900.
Acromicric dysplasia (ACMICD). Also called: Acromicric skeletal dysplasia. Identifiers: Orphanet 969, MedGen C0265287, MONDO:0007055, OMIM 102370.
Weill-Marchesani syndrome 2, dominant. Also called: FBN1-Related Weill-Marchesani Syndrome; Weill-Marchesani Syndrome, Autosomal Dominant. Identifiers: Orphanet 2084, MedGen C1869115, MONDO:0012013, OMIM 608328.
Familial thoracic aortic aneurysm and aortic dissection (TAAD). Also called: Thoracic aortic aneurysms and dissections. Identifiers: Orphanet 91387, MedGen C4707243, MONDO:0019625.

Allele frequency attached by ClinVar (database versions not stated): gnomAD exomes below 0.00001.

Submissions (2):

Labcorp Genetics (formerly Invitae), Labcorp
Classification: Likely benign for Marfan syndrome; Familial thoracic aortic aneurysm and aortic dissection. Last evaluated: 2022-04-25. Review status: criteria provided, single submitter. Criteria: Invitae Variant Classification Sherloc (09022015). Collection method: clinical testing. Allele origin: germline.

Center for Genomics, Ann and Robert H. Lurie Children's Hospital of Chicago
Classification: Uncertain significance for Acromicric dysplasia; Ectopia lentis 1, isolated, autosomal dominant; Geleophysic dysplasia 2; MASS syndrome; Progeroid and marfanoid aspect-lipodystrophy syndrome; Marfan syndrome; Stiff skin syndrome; Weill-Marchesani syndrome 2, dominant. Review status: criteria provided, single submitter. Criteria: ACMG Guidelines, 2015. Collection method: clinical testing. Allele origin: germline.
Comment: FBN1 NM_000138.4 exon 2 p.His23= (c.69T>C): This variant has not been reported in the literature and is not present in large control databases. Evolutionary conservation and computational predictive tools for this variant are limited or unavailable. Of note, this variant is a silent variant and does not change the amino acid, reducing the probability that this variant is disease causing. In summary, data on this variant is insufficient for disease classification. Therefore, the clinical significance of this variant is uncertain.

NM_000138.5(FBN1):c.69T>C (p.His23=)

Genes: FBN1 (fibrillin 1; minus strand), LOC130057019 (ATAC-STARR-seq lymphoblastoid silent region 6417; plus strand). Cytogenetic location: 15q21.1.
Variant type: single nucleotide variant.
Coding change: c.69T>C on transcript NM_000138.5 (MANE Select); coding-DNA position 69, T replaced by C.
Protein change: p.His23=; no amino-acid change (histidine 23 retained).
Molecular consequence: synonymous variant.
Genome position (GRCh38, 1-based): chr15:48,644,701, A>G on the plus strand (T>C on the coding strand, the complement: FBN1 is on the minus strand). VCF-style: chr15-48644701-A-G. GRCh37 (hg19) VCF-style: chr15-48936898-A-G.
Identifiers: ClinVar variation 1675079 (VCV001675079.7), dbSNP rs2140787712, ClinGen allele CA490090814.